The following is an entry in ClinVar:

NM_000057.4(BLM):c.3909C>A (p.Ser1303Arg)

Gene: BLM (BLM RecQ like helicase; plus strand). Cytogenetic location: 15q26.1.
Variant type: single nucleotide variant.
Coding change: c.3909C>A on transcript NM_000057.4 (MANE Select); coding-DNA position 3909, C replaced by A.
Protein change: p.Ser1303Arg; replaces serine 1303 with arginine.
Molecular consequence: missense variant.
Genome position (GRCh38, 1-based): chr15:90,811,239, C>A. VCF-style: chr15-90811239-C-A. GRCh37 (hg19) VCF-style: chr15-91354469-C-A.
Other names: c.3909C>A, p.Ser1303Arg (NM_001287246.2); c.3516C>A, p.Ser1172Arg (NM_001287247.2); c.2784C>A, p.Ser928Arg (NM_001287248.2); short protein forms S928R, S1303R, S1172R.
Identifiers: ClinVar variation 853755 (VCV000853755.10), dbSNP rs1897408551, ClinGen allele CA393850534.

ClinVar aggregate classification (germline): Uncertain significance (1 of 4 stars; one submission).

Conditions:
Bloom syndrome (BLM). Also called: Bloom-Torre-Machacek syndrome. Identifiers: Orphanet 125, MedGen C0005859, MONDO:0008876, OMIM 210900.

Submission:

Labcorp Genetics (formerly Invitae), Labcorp
Classification: Uncertain significance for Bloom syndrome. Last evaluated: 2019-04-02. Review status: criteria provided, single submitter. Criteria: Invitae Variant Classification Sherloc (09022015). Collection method: clinical testing. Allele origin: germline.
Comment: This variant is not present in population databases (ExAC no frequency). In summary, the available evidence is currently insufficient to determine the role of this variant in disease. Therefore, it has been classified as a Variant of Uncertain Significance. Algorithms developed to predict the effect of missense changes on protein structure and function (SIFT, PolyPhen-2, Align-GVGD) all suggest that this variant is likely to be tolerated, but these predictions have not been confirmed by published functional studies and their clinical significance is uncertain. This variant has not been reported in the literature in individuals with BLM-related conditions. This sequence change replaces serine with arginine at codon 1303 of the BLM protein (p.Ser1303Arg). The serine residue is weakly conserved and there is a moderate physicochemical difference between serine and arginine.